The following is an entry in ClinVar:

ClinVar aggregate classification (germline): Pathogenic (1 of 4 stars; one submission).

Submission:

Labcorp Genetics (formerly Invitae), Labcorp
Classification: Pathogenic. Last evaluated: 2023-02-15. Review status: criteria provided, single submitter. Criteria: Invitae Variant Classification Sherloc (09022015). Collection method: clinical testing. Allele origin: unknown.
Comment: This variant is a gross deletion of the genomic region encompassing exon(s) 1 of the PDHX gene, which includes the initiator codon. This deletion extends beyond the assayed region for this gene and therefore may encompass additional genes. It is expected to result in an absent or disrupted protein product. Loss-of-function variants in PDHX are known to be pathogenic (PMID: 16904023, 21914562). This variant has not been reported in the literature in individuals affected with PDHX-related conditions. Experimental studies and prediction algorithms are not available or were not evaluated, and the functional significance of this variant is currently unknown. For these reasons, this variant has been classified as Pathogenic.

Literature cited by the submitters: PubMed 16904023; PubMed 21914562.

NC_000011.9:g.(?_34938203)_(34938382_?)del

Gene: PDHX (pyruvate dehydrogenase complex component X; plus strand). Cytogenetic location: 11p13.
Variant type: Deletion.
Identifiers: ClinVar variation 3244749 (VCV003244749.1).